The following is an entry in ClinVar:

ClinVar aggregate classification (germline): Benign. Review status: criteria provided, single submitter (1 of 4 stars). 2 submissions from 2 submitters: Benign (1). 1 of the submissions does not count toward it. Last evaluated 2024-04-16.

Conditions:
PRKCG-related disorder. Also called: PRKCG-related condition.

Submissions (2):

Blueprint Genetics
Classification: Benign. Last evaluated: 2024-04-16. Review status: criteria provided, single submitter. Criteria: ACMG Guidelines, 2015. Collection method: clinical testing. Allele origin: germline.

PreventionGenetics, part of Exact Sciences
Classification: Likely benign for PRKCG-related condition. Last evaluated: 2020-04-03. Review status: no assertion criteria provided. Collection method: clinical testing. Allele origin: germline. Not counted in ClinVar's aggregate classification.
Comment: This variant is classified as likely benign based on ACMG/AMP sequence variant interpretation guidelines (Richards et al. 2015 PMID: 25741868, with internal and published modifications).

NM_002739.5(PRKCG):c.170+9A>T

Gene: PRKCG (protein kinase C gamma; plus strand). Cytogenetic location: 19q13.42.
Variant type: single nucleotide variant.
Coding change: c.170+9A>T on transcript NM_002739.5 (MANE Select); 9 bases into the intron after coding-DNA position 170, A replaced by T.
Molecular consequence: intron variant.
Genome position (GRCh38, 1-based): chr19:53,882,673, A>T. VCF-style: chr19-53882673-A-T. GRCh37 (hg19) VCF-style: chr19-54385927-A-T.
Other names: c.170+9A>T (NM_001316329.2).
Identifiers: ClinVar variation 3038206 (VCV003038206.3), dbSNP rs2068601734, ClinGen allele CA997073799.